The following is an entry in ClinVar:

NM_015443.4(KANSL1):c.2493T>G (p.Asp831Glu)

Gene: KANSL1 (KAT8 regulatory NSL complex subunit 1). Cytogenetic location: 17q21.31.
Variant type: single nucleotide variant.
Coding change: c.2493T>G on transcript NM_015443.4 (MANE Select); coding-DNA position 2493, T replaced by G.
Protein change: p.Asp831Glu; replaces aspartic acid 831 with glutamic acid.
Molecular consequence: missense variant.
Genome position (GRCh38, 1-based): chr17:46,038,586, A>C on the plus strand (T>G on the coding strand, the complement: KANSL1 is on the minus strand). VCF-style: chr17-46038586-A-C. GRCh37 (hg19) VCF-style: chr17-44115952-A-C.
Other names: c.2493T>G, p.Asp831Glu (NM_001379198.1, NM_001193465.2, NM_001193466.2); short protein forms D831E.
Identifiers: ClinVar variation 511876 (VCV000511876.6), dbSNP rs1457193430, ClinGen allele CA399980250.

ClinVar aggregate classification (germline): Benign/Likely benign. Review status: criteria provided, multiple submitters, no conflicts (2 of 4 stars). 3 submissions from 3 submitters: Benign (1); Likely benign (2). Last evaluated 2026-01-12.

Conditions:
Koolen-de Vries syndrome (KDVS). Identifiers: Orphanet 96169, MedGen C1864871, MONDO:0012496, OMIM 610443.
Inborn genetic diseases. Identifiers: MedGen C0950123, MeSH D030342.

Allele frequency attached by ClinVar (database versions not stated): gnomAD exomes below 0.00001.
gnomAD v4.1: 2 of 1,614,102 alleles (0.00012%); highest among the groups gnomAD compares: African/African-American, 0.0013%; no homozygotes.

Submissions (3):

Ambry Genetics
Classification: Likely benign for Inborn genetic diseases. Last evaluated: 2026-01-12. Review status: criteria provided, single submitter. Criteria: Ambry Variant Classification Scheme 2023. Collection method: clinical testing. Allele origin: germline.

Labcorp Genetics (formerly Invitae), Labcorp
Classification: Benign for Koolen-de Vries syndrome. Last evaluated: 2025-12-29. Review status: criteria provided, single submitter. Criteria: Invitae Variant Classification Sherloc (09022015). Collection method: clinical testing. Allele origin: germline.

GeneDx
Classification: Likely benign. Last evaluated: 2017-09-07. Review status: criteria provided, single submitter. Criteria: GeneDx Variant Classification (06012015). Collection method: clinical testing. Allele origin: germline. Affected: yes.
Comment: This variant is considered likely benign or benign based on one or more of the following criteria: it is a conservative change, it occurs at a poorly conserved position in the protein, it is predicted to be benign by multiple in silico algorithms, and/or has population frequency not consistent with disease.